The following is an entry in ClinVar:

ClinVar aggregate classification (germline): Uncertain significance (1 of 4 stars; one submission).

Submission:

Labcorp Genetics (formerly Invitae), Labcorp
Classification: Uncertain significance. Last evaluated: 2022-01-17. Review status: criteria provided, single submitter. Criteria: Invitae Variant Classification Sherloc (09022015). Collection method: clinical testing. Allele origin: germline.
Comment: In summary, the available evidence is currently insufficient to determine the role of this variant in disease. Therefore, it has been classified as a Variant of Uncertain Significance. Advanced modeling of protein sequence and biophysical properties (such as structural, functional, and spatial information, amino acid conservation, physicochemical variation, residue mobility, and thermodynamic stability) performed at Invitae indicates that this missense variant is expected to disrupt NSD1 protein function. This variant has not been reported in the literature in individuals affected with NSD1-related conditions. This variant is not present in population databases (gnomAD no frequency). This sequence change replaces glutamic acid, which is acidic and polar, with aspartic acid, which is acidic and polar, at codon 1919 of the NSD1 protein (p.Glu1919Asp).

NM_022455.5(NSD1):c.5757G>T (p.Glu1919Asp)

Gene: NSD1 (nuclear receptor binding SET domain protein 1; plus strand). Cytogenetic location: 5q35.3.
Variant type: single nucleotide variant.
Coding change: c.5757G>T on transcript NM_022455.5 (MANE Select); coding-DNA position 5757, G replaced by T.
Protein change: p.Glu1919Asp; replaces glutamic acid 1919 with aspartic acid.
Molecular consequence: missense variant.
Genome position (GRCh38, 1-based): chr5:177,280,699, G>T. VCF-style: chr5-177280699-G-T. GRCh37 (hg19) VCF-style: chr5-176707700-G-T.
Other names: c.4884G>T, p.Glu1628Asp (NM_001365684.2, NM_001409308.1, NM_001409309.1 and 1 more transcripts); c.5757G>T, p.Glu1919Asp (NM_001409301.1, NM_001409302.1, NM_001409303.1); c.5337G>T, p.Glu1779Asp (NM_001409304.1); c.5004G>T, p.Glu1668Asp (NM_001409305.1); c.4995G>T, p.Glu1665Asp (NM_001409306.1, NM_001409307.1); short protein forms E1919D, E1650D, E1668D, E1779D, E1665D, E1628D.
Identifiers: ClinVar variation 1355844 (VCV001355844.6), dbSNP rs528069420, ClinGen allele CA362313101.